The following is an entry in ClinVar:

NM_001128840.3(CACNA1D):c.4750A>C (p.Thr1584Pro)

Gene: CACNA1D (calcium voltage-gated channel subunit alpha1 D; plus strand). Cytogenetic location: 3p21.1.
Variant type: single nucleotide variant.
Coding change: c.4750A>C on transcript NM_001128840.3 (MANE Select); coding-DNA position 4750, A replaced by C.
Protein change: p.Thr1584Pro; replaces threonine 1584 with proline.
Molecular consequence: missense variant.
Genome position (GRCh38, 1-based): chr3:53,781,625, A>C. VCF-style: chr3-53781625-A-C. GRCh37 (hg19) VCF-style: chr3-53815652-A-C.
Other names: c.4810A>C, p.Thr1604Pro (NM_000720.4); c.4705A>C, p.Thr1569Pro (NM_001128839.3); short protein forms T1569P, T1584P, T1604P.
Identifiers: ClinVar variation 3001007 (VCV003001007.3), dbSNP rs759563699, ClinGen allele CA353246016.
Genomic context (GRCh38, chr3:53,781,625, plus strand): 5'-GGGAACCTGGAGCAAGCTAATGAAGAACTTCGGGCTGTGATAAAGAAAATTTGGAAGAAA[A>C]CCAGCATGAAATTACTTGACCAAGTTGTCCCTCCAGCTGGTGGTCAGTGCAGTCTATTTC-3'
Protein context (NP_001122312.1, residues 1574-1594): RAVIKKIWKK[Thr1584Pro]SMKLLDQVVP

ClinVar aggregate classification (germline): Uncertain significance (1 of 4 stars; one submission).

Allele frequency attached by ClinVar (database versions not stated): TOPMed below 0.00001.

Submission:

Labcorp Genetics (formerly Invitae), Labcorp
Classification: Uncertain significance. Last evaluated: 2023-01-25. Review status: criteria provided, single submitter. Criteria: Invitae Variant Classification Sherloc (09022015). Collection method: clinical testing. Allele origin: germline.
Comment: In summary, the available evidence is currently insufficient to determine the role of this variant in disease. Therefore, it has been classified as a Variant of Uncertain Significance. Advanced modeling of protein sequence and biophysical properties (such as structural, functional, and spatial information, amino acid conservation, physicochemical variation, residue mobility, and thermodynamic stability) performed at Invitae indicates that this missense variant is not expected to disrupt CACNA1D protein function. This variant has not been reported in the literature in individuals affected with CACNA1D-related conditions. This variant is not present in population databases (gnomAD no frequency). This sequence change replaces threonine, which is neutral and polar, with proline, which is neutral and non-polar, at codon 1604 of the CACNA1D protein (p.Thr1604Pro).